The following is an entry in ClinVar:

NM_002577.4(PAK2):c.1039G>A (p.Ala347Thr)

Gene: PAK2 (p21 (RAC1) activated kinase 2; plus strand). Cytogenetic location: 3q29.
Variant type: single nucleotide variant.
Coding change: c.1039G>A on transcript NM_002577.4 (MANE Select); coding-DNA position 1039, G replaced by A.
Protein change: p.Ala347Thr; replaces alanine 347 with threonine.
Molecular consequence: missense variant.
Genome position (GRCh38, 1-based): chr3:196,814,554, G>A. VCF-style: chr3-196814554-G-A. GRCh37 (hg19) VCF-style: chr3-196541425-G-A.
Other names: short protein forms A347T.
Identifiers: ClinVar variation 4882180 (VCV004882180.2).

ClinVar aggregate classification (germline): Uncertain significance (1 of 4 stars; one submission).

Submission:

Dasa
Classification: Uncertain significance. Last evaluated: 2026-03-24. Review status: criteria provided, single submitter. Criteria: DASA Assertion Criteria. Collection method: clinical testing. Allele origin: germline.
Comment: NM_002577.4(PAK2):c.1039G>A (p.Ala347Thr) is a missense variant that results in the substitution of alanine with threonine. This variant is rare in population databases. The currently available literature and clinical evidence are not sufficient to establish a definitive association between this variant and the reported condition. Therefore, this variant is classified as a variant of uncertain significance.